The following is an entry in ClinVar:

NM_001267550.2(TTN):c.82716_82717delinsA (p.Pro27574fs)

Genes: TTN (titin; minus strand), TTN-AS1 (TTN antisense RNA 1; plus strand). Cytogenetic location: 2q31.2.
Variant type: Indel.
Coding change: c.82716_82717delinsA on transcript NM_001267550.2 (MANE Select); coding-DNA positions 82716 to 82717, TC replaced by A.
Protein change: p.Pro27574fs; shifts the reading frame from proline 27574.
Molecular consequence: frameshift variant.
Genome position (GRCh38, 1-based): chr2:178,563,415-178,563,416, GA replaced by T on the plus strand (TC replaced by A on the coding strand, the reverse complement: TTN is on the minus strand). VCF-style: chr2-178563415-GA-T. GRCh37 (hg19) VCF-style: chr2-179428142-GA-T.
Other names: c.77793_77794delinsA, p.Pro25933fs (NM_001256850.1); c.55521_55522delinsA, p.Pro18509fs (NM_003319.4); c.75012_75013delinsA, p.Pro25006fs (NM_133378.4); c.55896_55897delinsA, p.Pro18634fs (NM_133432.3); c.56097_56098delinsA, p.Pro18701fs (NM_133437.4); c.77793_77794delTCinsA (NM_001256850.1); short protein forms P18701fs, P25006fs, P18634fs, P25933fs, P27574fs, P18509fs.
Identifiers: ClinVar variation 202478 (VCV000202478.1), dbSNP rs794729350, ClinGen allele CA309441.
Genomic context (GRCh38, chr2:178,563,415, plus strand): 5'-TACTCCATGCCAGGGAGACAGAAGATCTGGAAGTGTCCGTCACTTTTGGATTGCTTGGGG[GA>T]CCTGGTGGATACAAGGCATCACACGCACGGTAGAAAACAGATGGCTCACTAGGTTCTCCC-3'

ClinVar aggregate classification (germline): Pathogenic (1 of 4 stars; one submission).

Submission:

GeneDx
Classification: Pathogenic. Last evaluated: 2016-10-24. Review status: criteria provided, single submitter. Criteria: GeneDx Variant Classification (06012015). Collection method: clinical testing. Allele origin: germline. Affected: yes.
Comment: Although the c.77793_77794delTCinsA pathogenic variant in the TTN gene has not been reported to our knowledge, this variant causes a shift in reading frame starting at codon Proline 25933, changing it to a Glutamine, and creating a premature stop codon at position 6 of the new reading frame, denoted p.Pro25933GlnfsX6. This pathogenic variant is expected to result in either an abnormal, truncated protein product or loss of protein from this allele through nonsense-mediated mRNA decay. While other truncating TTN variants have been reported in approximately 3% of control alleles (Herman et al., 2012), c.77793_77794delTCinsA is located in the A-band region of titin, where the majority of truncating mutations associated with DCM have been reported (Herman et al., 2012). Additionally, the c.77793_77794delTCinsA variant was not observed in approximately 6,100 individuals of European and African American ancestry in the NHLBI Exome Sequencing Project, nor was it observed in the Exome Aggregation Consortium (ExAC) data set, indicating it is not a common benign variant in these populations. In summary, c.77793_77794delTCinsA in the TTN gene is interpreted as a pathogenic variant.